The following is an entry in ClinVar:

ClinVar aggregate classification (germline): Uncertain significance (1 of 4 stars; one submission).

Submission:

Labcorp Genetics (formerly Invitae), Labcorp
Classification: Uncertain significance. Last evaluated: 2025-06-12. Review status: criteria provided, single submitter. Criteria: Invitae Variant Classification Sherloc (09022015). Collection method: clinical testing. Allele origin: germline.
Comment: This sequence change replaces valine, which is neutral and non-polar, with methionine, which is neutral and non-polar, at codon 1515 of the ITGB4 protein (p.Val1515Met). This variant is not present in population databases (gnomAD no frequency). This variant has not been reported in the literature in individuals affected with ITGB4-related conditions. ClinVar contains an entry for this variant (Variation ID: 1932633). An algorithm developed to predict the effect of missense changes on protein structure and function (PolyPhen-2) suggests that this variant is likely to be disruptive. In summary, the available evidence is currently insufficient to determine the role of this variant in disease. Therefore, it has been classified as a Variant of Uncertain Significance.

NM_000213.5(ITGB4):c.4753G>A (p.Val1585Met)

Genes: GALK1 (galactokinase 1; minus strand), ITGB4 (integrin subunit beta 4; plus strand). Cytogenetic location: 17q25.1.
Variant type: single nucleotide variant.
Coding change: c.4753G>A on transcript NM_000213.5 (MANE Select); coding-DNA position 4753, G replaced by A.
Protein change: p.Val1585Met; replaces valine 1585 with methionine.
Molecular consequence: missense variant. On other transcripts: intron variant (1).
Genome position (GRCh38, 1-based): chr17:75,756,473, G>A. VCF-style: chr17-75756473-G-A. GRCh37 (hg19) VCF-style: chr17-73752554-G-A.
Other names: c.4702G>A, p.Val1568Met (NM_001005619.2); c.4543G>A, p.Val1515Met (NM_001005731.3, NM_001321123.2); c.4393G>A, p.Val1465Met (NM_001438834.1); c.*22+1561C>T (NM_001381985.1); short protein forms V1515M, V1568M, V1585M, V1465M.
Identifiers: ClinVar variation 1932633 (VCV001932633.4), dbSNP rs760434790, ClinGen allele CA401089295.
Genomic context (GRCh38, chr17:75,756,473, plus strand): 5'-CACCTGATCCCCCCAGGTGAGCTGCATCGGCTCAACATCCCCAACCCTGCCCAGACCTCG[G>A]TGGTGGTGGAAGACCTCCTGCCCAACCACTCCTACGTGTTCCGCGTGCGGGCCCAGAGCC-3'
Protein context (NP_000204.3, residues 1575-1595): LNIPNPAQTS[Val1585Met]VVEDLLPNHS